The following is an entry in ClinVar:

NM_001042492.3(NF1):c.4529T>G (p.Leu1510Arg)

Gene: NF1 (neurofibromin 1; plus strand). Cytogenetic location: 17q11.2.
Variant type: single nucleotide variant.
Coding change: c.4529T>G on transcript NM_001042492.3 (MANE Select); coding-DNA position 4529, T replaced by G.
Protein change: p.Leu1510Arg; replaces leucine 1510 with arginine.
Molecular consequence: missense variant.
Genome position (GRCh38, 1-based): chr17:31,260,467, T>G. VCF-style: chr17-31260467-T-G. GRCh37 (hg19) VCF-style: chr17-29587485-T-G.
Other names: c.4466T>G, p.Leu1489Arg (NM_000267.4); short protein forms L1489R, L1510R.
Identifiers: ClinVar variation 2839093 (VCV002839093.3), dbSNP rs1597747078, ClinGen allele CA398999704.

ClinVar aggregate classification (germline): Uncertain significance (1 of 4 stars; one submission).

Conditions:
Neurofibromatosis, type 1 (NF1). Also called: Neurofibromatosis, type I; VON RECKLINGHAUSEN DISEASE; NEUROFIBROMATOSIS, TYPE I, SOMATIC; Peripheral type neurofibromatosis. Identifiers: Orphanet 636, MedGen C0027831, MONDO:0018975, OMIM 162200. Disease mechanism: loss of function.

Submission:

Labcorp Genetics (formerly Invitae), Labcorp
Classification: Uncertain significance for Neurofibromatosis, type 1. Last evaluated: 2023-02-20. Review status: criteria provided, single submitter. Criteria: Invitae Variant Classification Sherloc (09022015). Collection method: clinical testing. Allele origin: germline.
Comment: In summary, the available evidence is currently insufficient to determine the role of this variant in disease. Therefore, it has been classified as a Variant of Uncertain Significance. Advanced modeling of protein sequence and biophysical properties (such as structural, functional, and spatial information, amino acid conservation, physicochemical variation, residue mobility, and thermodynamic stability) performed at Invitae indicates that this missense variant is expected to disrupt NF1 protein function. This variant has not been reported in the literature in individuals affected with NF1-related conditions. This variant is not present in population databases (gnomAD no frequency). This sequence change replaces leucine, which is neutral and non-polar, with arginine, which is basic and polar, at codon 1489 of the NF1 protein (p.Leu1489Arg).